The following is an entry in ClinVar:

NM_001356.5(DDX3X):c.1133C>T (p.Thr378Ile)

Gene: DDX3X (DEAD-box helicase 3 X-linked; plus strand). Cytogenetic location: Xp11.4.
Variant type: single nucleotide variant.
Coding change: c.1133C>T on transcript NM_001356.5 (MANE Select); coding-DNA position 1133, C replaced by T.
Protein change: p.Thr378Ile; replaces threonine 378 with isoleucine.
Molecular consequence: missense variant. On other transcripts: non-coding transcript variant (1).
Genome position (GRCh38, 1-based): chrX:41,345,287, C>T. VCF-style: chrX-41345287-C-T. GRCh37 (hg19) VCF-style: chrX-41204540-C-T.
Other names: c.1133C>T, p.Thr378Ile (NM_001193416.3); c.1085C>T, p.Thr362Ile (NM_001193417.3); c.575C>T, p.Thr192Ile (NM_001363819.1); short protein forms T192I, T362I, T378I.
Identifiers: ClinVar variation 4530071 (VCV004530071.1).

ClinVar aggregate classification (somatic clinical impact): Tier II - Potential (1 of 4 stars; one submission).

Conditions:
Medulloblastoma WNT activated. Identifiers: MedGen C4331965, MONDO:0850196.

Submission:

Institute for Genomic Medicine (IGM) Clinical Laboratory, Nationwide Children's Hospital
Classification: Tier II - Potential for Medulloblastoma WNT activated. Assertion type: diagnostic. Clinical significance: supports diagnosis. Last evaluated: 2023-06-26. Review status: criteria provided, single submitter. Criteria: AMP/ASCO/CAP Guidelines, 2017. Collection method: clinical testing. Allele origin: somatic. Affected: yes.
Comment: Variant has Tier II (potential) clinical significance as a diagnostic inclusion criterion in medulloblastoma WNT activated, based on the following evidence: 1) Diagnostic significance based on multiple small studies (Evidence Level C; PMIDs: 22832583, 22722829, 28726821, 22820256).

Literature cited by the submitters: PubMed 22832583; PubMed 22722829; PubMed 28726821; PubMed 22820256.